The following is an entry in ClinVar:

NM_006302.3(MOGS):c.1825C>T (p.Arg609Cys)

Gene: MOGS (mannosyl-oligosaccharide glucosidase; minus strand). Cytogenetic location: 2p13.1.
Variant type: single nucleotide variant.
Coding change: c.1825C>T on transcript NM_006302.3 (MANE Select); coding-DNA position 1825, C replaced by T.
Protein change: p.Arg609Cys; replaces arginine 609 with cysteine.
Molecular consequence: missense variant.
Genome position (GRCh38, 1-based): chr2:74,461,964, G>A on the plus strand (C>T on the coding strand, the complement: MOGS is on the minus strand). VCF-style: chr2-74461964-G-A. GRCh37 (hg19) VCF-style: chr2-74689091-G-A.
Other names: c.1825C>T, p.Arg609Cys (LRG_1226t1); c.1507C>T, p.Arg503Cys (NM_001146158.2); short protein forms R609C, R503C.
Identifiers: ClinVar variation 465839 (VCV000465839.8), dbSNP rs369797433, ClinGen allele CA1724712.

ClinVar aggregate classification (germline): Uncertain significance (1 of 4 stars; one submission).

Conditions:
MOGS-congenital disorder of glycosylation. Also called: CDG IIb; GLUCOSIDASE I DEFICIENCY; CDG 2B; MOGS-CDG. Identifiers: Orphanet 79330, MedGen C1853736, MONDO:0011629, OMIM 606056.

Allele frequency attached by ClinVar (database versions not stated): ExAC 0.00002; gnomAD 0.00003 and 0.00004; TOPMed 0.00003; ESP Exome Variant Server 0.00008.
gnomAD v4.1: 35 of 1,613,930 alleles (0.0022%); highest among the groups gnomAD compares: Middle Eastern, 0.016%; 1 homozygote.

Submission:

Labcorp Genetics (formerly Invitae), Labcorp
Classification: Uncertain significance for MOGS-congenital disorder of glycosylation. Last evaluated: 2024-04-20. Review status: criteria provided, single submitter. Criteria: Invitae Variant Classification Sherloc (09022015). Collection method: clinical testing. Allele origin: germline.
Comment: This sequence change replaces arginine, which is basic and polar, with cysteine, which is neutral and slightly polar, at codon 609 of the MOGS protein (p.Arg609Cys). This variant is present in population databases (rs369797433, gnomAD 0.006%). This variant has not been reported in the literature in individuals affected with MOGS-related conditions. ClinVar contains an entry for this variant (Variation ID: 465839). Advanced modeling of protein sequence and biophysical properties (such as structural, functional, and spatial information, amino acid conservation, physicochemical variation, residue mobility, and thermodynamic stability) performed at Invitae indicates that this missense variant is not expected to disrupt MOGS protein function with a negative predictive value of 80%. In summary, the available evidence is currently insufficient to determine the role of this variant in disease. Therefore, it has been classified as a Variant of Uncertain Significance.